The following is an entry in ClinVar:

ClinVar aggregate classification (germline): Uncertain significance (1 of 4 stars; one submission).

Conditions:
Kabuki syndrome. Also called: NIIKAWA-KUROKI SYNDROME; Kabuki make-up syndrome. Identifiers: Orphanet 2322, MedGen C0796004, MONDO:0016512.

gnomAD v4.1: 13 of 1,613,376 alleles (0.00081%); highest among the groups gnomAD compares: South Asian, 0.0088%; no homozygotes.

Submission:

Labcorp Genetics (formerly Invitae), Labcorp
Classification: Uncertain significance for Kabuki syndrome. Last evaluated: 2024-06-10. Review status: criteria provided, single submitter. Criteria: Invitae Variant Classification Sherloc (09022015). Collection method: clinical testing. Allele origin: germline.
Comment: This sequence change replaces lysine, which is basic and polar, with asparagine, which is neutral and polar, at codon 4832 of the KMT2D protein (p.Lys4832Asn). This variant is present in population databases (rs557710880, gnomAD 0.01%). This variant has not been reported in the literature in individuals affected with KMT2D-related conditions. Advanced modeling of protein sequence and biophysical properties (such as structural, functional, and spatial information, amino acid conservation, physicochemical variation, residue mobility, and thermodynamic stability) performed at Invitae indicates that this missense variant is not expected to disrupt KMT2D protein function with a negative predictive value of 95%. In summary, the available evidence is currently insufficient to determine the role of this variant in disease. Therefore, it has been classified as a Variant of Uncertain Significance.

NM_003482.4(KMT2D):c.14496G>C (p.Lys4832Asn)

Gene: KMT2D (lysine methyltransferase 2D; minus strand). Cytogenetic location: 12q13.12.
Variant type: single nucleotide variant.
Coding change: c.14496G>C on transcript NM_003482.4 (MANE Select); coding-DNA position 14496, G replaced by C.
Protein change: p.Lys4832Asn; replaces lysine 4832 with asparagine.
Molecular consequence: missense variant.
Genome position (GRCh38, 1-based): chr12:49,028,028, C>G on the plus strand (G>C on the coding strand, the complement: KMT2D is on the minus strand). VCF-style: chr12-49028028-C-G. GRCh37 (hg19) VCF-style: chr12-49421811-C-G.
Other names: short protein forms K4832N.
Identifiers: ClinVar variation 2728984 (VCV002728984.3), dbSNP rs557710880, ClinGen allele CA6545730.